The following is an entry in ClinVar:

ClinVar aggregate classification (germline): Likely pathogenic (1 of 4 stars; one submission).

Conditions:
Autosomal recessive polycystic kidney disease (ARPKD). Also called: AR polycystic kidney disease. Identifiers: Orphanet 731, Orphanet 8378, MedGen C0085548, MeSH D017044, MONDO:0009889.

Submission:

Natera, Inc.
Classification: Likely pathogenic for Autosomal recessive polycystic kidney disease. Last evaluated: 2024-07-22. Review status: criteria provided, single submitter. Criteria: Natera Variant Classification Schema (03/2026). Collection method: clinical testing. Allele origin: germline.
Comment: The c.5812del variant in PKHD1 is a frameshift variant predicted to shift the reading frame beginning at codon 1938 and leads to a stop codon 36 codons downstream. This variant is expected to result in nonsense mediated decay, truncation, or a dysfunctional protein product. This variant is rare in the general population with a frequency below the threshold expected for the associated phenotype(s). Given the available evidence, this variant is classified as Likely Pathogenic.

NM_138694.4(PKHD1):c.5812del (p.Arg1938fs)

Gene: PKHD1 (PKHD1 ciliary IPT domain containing fibrocystin/polyductin; minus strand). Cytogenetic location: 6p12.2.
Variant type: Deletion.
Coding change: c.5812del on transcript NM_138694.4 (MANE Select); coding-DNA position 5812, one base deleted (A; older notation c.5812delA).
Protein change: p.Arg1938fs; shifts the reading frame from arginine 1938.
Molecular consequence: frameshift variant.
Genome position (GRCh38, 1-based): chr6:51,959,966, T deleted on the plus strand (A on the coding strand, the reverse complement: PKHD1 is on the minus strand); the first of 3 consecutive T bases (chr6:51,959,966-51,959,968); deleting any one gives the same sequence. VCF-style (leftmost placement, unchanged base first): chr6-51959965-CT-C. GRCh37 (hg19) VCF-style: chr6-51824763-CT-C.
Other names: c.5812del, p.Arg1938fs (NM_170724.3); short protein forms R1938fs.
Identifiers: ClinVar variation 4816703 (VCV004816703.1).